The following is an entry in ClinVar:

NM_024580.6(EFL1):c.47C>T (p.Thr16Ile)

Gene: EFL1 (elongation factor like GTPase 1; minus strand). Cytogenetic location: 15q25.2.
Variant type: single nucleotide variant.
Coding change: c.47C>T on transcript NM_024580.6 (MANE Select); coding-DNA position 47, C replaced by T.
Protein change: p.Thr16Ile; replaces threonine 16 with isoleucine.
Molecular consequence: missense variant. On other transcripts: 5 prime UTR variant (1), non-coding transcript variant (1).
Genome position (GRCh38, 1-based): chr15:82,261,732, G>A on the plus strand (C>T on the coding strand, the complement: EFL1 is on the minus strand). VCF-style: chr15-82261732-G-A. GRCh37 (hg19) VCF-style: chr15-82554073-G-A.
Other names: c.47C>T, p.Thr16Ile (NM_001040610.3, NM_001322845.2); c.-658C>T (NM_001322844.2); short protein forms T16I.
Identifiers: ClinVar variation 3669294 (VCV003669294.2).

ClinVar aggregate classification (germline): Uncertain significance (1 of 4 stars; one submission).

Submission:

Labcorp Genetics (formerly Invitae), Labcorp
Classification: Uncertain significance. Last evaluated: 2024-11-04. Review status: criteria provided, single submitter. Criteria: Invitae Variant Classification Sherloc (09022015). Collection method: clinical testing. Allele origin: germline.
Comment: This sequence change replaces threonine, which is neutral and polar, with isoleucine, which is neutral and non-polar, at codon 16 of the EFL1 protein (p.Thr16Ile). This variant is not present in population databases (gnomAD no frequency). This variant has not been reported in the literature in individuals affected with EFL1-related conditions. Invitae Evidence Modeling of protein sequence and biophysical properties (such as structural, functional, and spatial information, amino acid conservation, physicochemical variation, residue mobility, and thermodynamic stability) indicates that this missense variant is not expected to disrupt EFL1 protein function with a negative predictive value of 80%. In summary, the available evidence is currently insufficient to determine the role of this variant in disease. Therefore, it has been classified as a Variant of Uncertain Significance.